The following is an entry in ClinVar:

ClinVar aggregate classification (germline): Uncertain significance (1 of 4 stars; one submission).

Allele frequency attached by ClinVar (database versions not stated): gnomAD exomes below 0.00001; gnomAD 0.00001.

Submission:

GeneDx
Classification: Uncertain significance. Last evaluated: 2018-10-17. Review status: criteria provided, single submitter. Criteria: GeneDx Variant Classification (06012015). Collection method: clinical testing. Allele origin: germline. Affected: yes.
Comment: The V345I variant in the FOXH1 gene has not been reported previously as a pathogenic variant, nor as a benign variant, to our knowledge. The V345I variant was not observed in approximately 6,500 individuals of European and African American ancestry in the NHLBI Exome Sequencing Project, indicating it is not a common benign variant in these populations. The V345I variant is a conservative amino acid substitution, which is not likely to impact secondary protein structure as these residues share similar properties. This substitution occurs at a position where amino acids with similar properties to Valine are tolerated across species. In silico analysis predicts this variant likely does not alter the protein structure/function. We interpret V345I as a variant of uncertain significance.

NM_003923.3(FOXH1):c.1033G>A (p.Val345Ile)

Gene: FOXH1 (forkhead box H1; minus strand). Cytogenetic location: 8q24.3.
Variant type: single nucleotide variant.
Coding change: c.1033G>A on transcript NM_003923.3 (MANE Select); coding-DNA position 1033, G replaced by A.
Protein change: p.Val345Ile; replaces valine 345 with isoleucine.
Molecular consequence: missense variant.
Genome position (GRCh38, 1-based): chr8:144,474,303, C>T on the plus strand (G>A on the coding strand, the complement: FOXH1 is on the minus strand). VCF-style: chr8-144474303-C-T. GRCh37 (hg19) VCF-style: chr8-145699686-C-T.
Other names: short protein forms V345I.
Identifiers: ClinVar variation 387599 (VCV000387599.2), dbSNP rs1057522833, ClinGen allele CA16605359.
Genomic context (GRCh38, chr8:144,474,303, plus strand): 5'-GGCTGCACCAGGAGAGCAGCCAGCCTGGGCCAGGGGCCGCCAGGTCCCGAGGGTGGCTGA[C>T]CCAAACGTCGTAGATGCTTTTGTTGGGTGGCACCCCTTGGAAGAGGGCGTCTAGATCGCA-3'
Protein context (NP_003914.1, residues 335-355): PPNKSIYDVW[Val345Ile]SHPRDLAAPG